The following is an entry in ClinVar:

NM_000059.4(BRCA2):c.7463_7464insTA (p.Arg2488fs)

Gene: BRCA2 (BRCA2 DNA repair associated; plus strand). Cytogenetic location: 13q13.1.
Variant type: Insertion.
Coding change: c.7463_7464insTA on transcript NM_000059.4 (MANE Select); coding-DNA positions 7463 to 7464, TA inserted.
Protein change: p.Arg2488fs; shifts the reading frame from arginine 2488.
Molecular consequence: frameshift variant.
Genome position: GRCh38 VCF-style: chr13-32356455-G-GTA. GRCh37 (hg19) VCF-style: chr13-32930592-G-GTA.
Other names: short protein forms R2488fs.
Identifiers: ClinVar variation 548429 (VCV000548429.1), dbSNP rs1555286226, ClinGen allele CA658823745.

ClinVar aggregate classification (germline): Pathogenic (3 of 4 stars; one submission).

Conditions:
Breast-ovarian cancer, familial, susceptibility to, 2 (BROVCA2). Also called: BRCA2 Hereditary Breast and Ovarian Cancer. Identifiers: Orphanet 145, MedGen C2675520, MONDO:0012933, OMIM 612555. Disease mechanism: loss of function.

Submission:

Evidence-based Network for the Interpretation of Germline Mutant Alleles (ENIGMA)
Classification: Pathogenic for Breast-ovarian cancer, familial, susceptibility to, 2. Last evaluated: 2017-12-15. Review status: reviewed by expert panel. Criteria: ENIGMA BRCA1/2 Classification Criteria (2017-06-29). Collection method: curation. Allele origin: germline. Study: ENIGMA.
Comment: Variant allele predicted to encode a truncated non-functional protein.